The following is an entry in ClinVar:

ClinVar aggregate classification (germline): Uncertain significance (1 of 4 stars; one submission).

Allele frequency attached by ClinVar (database versions not stated): TOPMed 0.00001; gnomAD 0.00001; gnomAD exomes below 0.00001.

Submission:

Labcorp Genetics (formerly Invitae), Labcorp
Classification: Uncertain significance. Last evaluated: 2022-09-04. Review status: criteria provided, single submitter. Criteria: Invitae Variant Classification Sherloc (09022015). Collection method: clinical testing. Allele origin: germline.
Comment: In summary, the available evidence is currently insufficient to determine the role of this variant in disease. Therefore, it has been classified as a Variant of Uncertain Significance. Algorithms developed to predict the effect of missense changes on protein structure and function are either unavailable or do not agree on the potential impact of this missense change (SIFT: "Tolerated"; PolyPhen-2: "Probably Damaging"; Align-GVGD: "Class C0"). This missense change has been observed in individual(s) with clinical features of SPARC-related conditions (Invitae). This variant is not present in population databases (gnomAD no frequency). This sequence change replaces glycine, which is neutral and non-polar, with serine, which is neutral and polar, at codon 134 of the SPARC protein (p.Gly134Ser).

NM_003118.4(SPARC):c.400G>A (p.Gly134Ser)

Gene: SPARC (secreted protein acidic and cysteine rich; minus strand). Cytogenetic location: 5q33.1.
Variant type: single nucleotide variant.
Coding change: c.400G>A on transcript NM_003118.4 (MANE Select); coding-DNA position 400, G replaced by A.
Protein change: p.Gly134Ser; replaces glycine 134 with serine.
Molecular consequence: missense variant.
Genome position (GRCh38, 1-based): chr5:151,669,715, C>T on the plus strand (G>A on the coding strand, the complement: SPARC is on the minus strand). VCF-style: chr5-151669715-C-T. GRCh37 (hg19) VCF-style: chr5-151049276-C-T.
Other names: c.397G>A, p.Gly133Ser (NM_001309443.2); c.400G>A, p.Gly134Ser (NM_001309444.2); short protein forms G133S, G134S.
Identifiers: ClinVar variation 2029015 (VCV002029015.4), dbSNP rs1298223581, ClinGen allele CA361833518.
Genomic context (GRCh38, chr5:151,669,715, plus strand): 5'-GACACTCACATTTGCAAGGCCCGATGTAGTCCAGGTGGAGCTTGTGGCCCTTCTTGGTGC[C>T]CTCCAGGGTGCACTTTGTGGCAAAGAAGTGGCAGGAAGAGTCGAAGGTCTTGTTGTCATT-3'
Protein context (NP_003109.1, residues 124-144): HFFATKCTLE[Gly134Ser]TKKGHKLHLD